The following is an entry in ClinVar:

ClinVar aggregate classification (germline): Uncertain significance. Review status: criteria provided, single submitter (1 of 4 stars). 2 submissions from 2 submitters: Uncertain significance (1). 1 of the submissions does not count toward it. Last evaluated 2024-03-12.

Conditions:
Glycogen storage disease type III (GSD3). Also called: FORBES DISEASE; Cori disease. Identifiers: Orphanet 366, MedGen C0017922, MONDO:0009291, OMIM 232400.

Submissions (2):

Labcorp Genetics (formerly Invitae), Labcorp
Classification: Uncertain significance for Glycogen storage disease type III. Last evaluated: 2024-03-12. Review status: criteria provided, single submitter. Criteria: Invitae Variant Classification Sherloc (09022015). Collection method: clinical testing. Allele origin: germline.
Comment: This sequence change replaces alanine, which is neutral and non-polar, with threonine, which is neutral and polar, at codon 396 of the AGL protein (p.Ala396Thr). This variant is not present in population databases (gnomAD no frequency). This variant has not been reported in the literature in individuals affected with AGL-related conditions. An algorithm developed to predict the effect of missense changes on protein structure and function (PolyPhen-2) suggests that this variant is likely to be disruptive. Algorithms developed to predict the effect of sequence changes on RNA splicing suggest that this variant may disrupt the consensus splice site. In summary, the available evidence is currently insufficient to determine the role of this variant in disease. Therefore, it has been classified as a Variant of Uncertain Significance.

Natera, Inc.
Classification: Uncertain significance for Glycogen storage disease type III. Last evaluated: 2025-01-06. Review status: no assertion criteria provided. Collection method: clinical testing. Allele origin: germline. Not counted in ClinVar's aggregate classification.

NM_000642.3(AGL):c.1186G>A (p.Ala396Thr)

Gene: AGL (amylo-alpha-1,6-glucosidase and 4-alpha-glucanotransferase; plus strand). Cytogenetic location: 1p21.2.
Variant type: single nucleotide variant.
Coding change: c.1186G>A on transcript NM_000642.3 (MANE Select); coding-DNA position 1186, G replaced by A.
Protein change: p.Ala396Thr; replaces alanine 396 with threonine.
Molecular consequence: missense variant. On other transcripts: intron variant (1).
Genome position (GRCh38, 1-based): chr1:99,875,358, G>A. VCF-style: chr1-99875358-G-A. GRCh37 (hg19) VCF-style: chr1-100340914-G-A.
Other names: c.1186G>A (NM_000642.2); c.1186G>A, p.Ala396Thr (NM_000028.3, NM_000643.3, NM_000644.3 and 2 more transcripts); c.1138G>A, p.Ala380Thr (NM_000646.3); c.982G>A, p.Ala328Thr (NM_001425328.1, NM_001425329.1); c.808G>A, p.Ala270Thr (NM_001425332.1); c.1082+548G>A (NM_001425327.1); short protein forms A380T, A270T, A328T, A396T.
Identifiers: ClinVar variation 3688121 (VCV003688121.2).
Genomic context (GRCh38, chr1:99,875,358, plus strand): 5'-CTACTATTTTTTTGTTGTCTTGAGGATGGTGATGATCTAACACAATTTAATGTTTTTCAG[G>A]CAGTTAATTGCCTTTTGGGAAATGTGTTTTATGAACGACTGGCTGGCCATGGTCCAAAAC-3'
Protein context (NP_000633.2, residues 386-406): HRLINYHQEQ[Ala396Thr]VNCLLGNVFY